The following is an entry in ClinVar:

ClinVar aggregate classification (germline): Benign/Likely benign. Review status: criteria provided, multiple submitters, no conflicts (2 of 4 stars). 3 submissions from 3 submitters: Benign (2); Likely benign (1). Last evaluated 2024-11-01.

Allele frequency attached by ClinVar (database versions not stated): 1000 Genomes Project 30x 0.00281; 1000 Genomes Project 0.00300; TOPMed 0.00407; gnomAD 0.00439 and 0.00450; ESP Exome Variant Server 0.00447; gnomAD exomes 0.00453 and 0.00493; ExAC 0.00488.
gnomAD v4.1: 7,802 of 1,611,868 alleles (0.48%); highest among the groups gnomAD compares: Middle Eastern, 0.83%; 28 homozygotes.

Submissions (3):

CeGaT Center for Human Genetics Tuebingen
Classification: Likely benign. Last evaluated: 2024-11-01. Review status: criteria provided, single submitter. Criteria: CeGaT Center For Human Genetics Tuebingen Variant Classification Criteria Version 2. Collection method: clinical testing. Allele origin: germline. Affected: yes. Observed: 1 variant allele.
Comment: RASGRF1: BP4, BP7, BS2

Labcorp Genetics (formerly Invitae), Labcorp
Classification: Benign. Last evaluated: 2019-12-31. Review status: criteria provided, single submitter. Criteria: Invitae Variant Classification Sherloc (09022015). Collection method: clinical testing. Allele origin: germline.

Breakthrough Genomics
Classification: Benign. Review status: criteria provided, single submitter. Criteria: ACMG Guidelines, 2015. Collection method: not provided. Allele origin: germline. Inheritance: Unknown mechanism. Affected: yes.

NM_001145648.3(RASGRF1):c.1617C>T (p.Ser539=)

Gene: RASGRF1 (Ras protein specific guanine nucleotide releasing factor 1; minus strand). Cytogenetic location: 15q25.1.
Variant type: single nucleotide variant.
Coding change: c.1617C>T on transcript NM_001145648.3 (MANE Select); coding-DNA position 1617, C replaced by T.
Protein change: p.Ser539=; no amino-acid change (serine 539 retained).
Molecular consequence: synonymous variant.
Genome position (GRCh38, 1-based): chr15:79,017,896, G>A on the plus strand (C>T on the coding strand, the complement: RASGRF1 is on the minus strand). VCF-style: chr15-79017896-G-A. GRCh37 (hg19) VCF-style: chr15-79310238-G-A.
Other names: c.1617C>T, p.Ser539= (NM_002891.6).
Identifiers: ClinVar variation 774714 (VCV000774714.18), dbSNP rs139426512, ClinGen allele CA7688762.